The following is an entry in ClinVar:

ClinVar aggregate classification (germline): Uncertain significance (3 of 4 stars; one submission).

Conditions:
Mucopolysaccharidosis type 1. Also called: IDUA deficiency; MPS I. Identifiers: Orphanet 579, MedGen C0023786, MONDO:0001586.

gnomAD v4.1: 1 of 1,613,176 alleles (0.000062%); highest among the groups gnomAD compares: South Asian, 0.0011%; no homozygotes.

Submission:

ClinGen Lysosomal Storage Disorder Variant Curation Expert Panel
Classification: Uncertain significance for Mucopolysaccharidosis type 1. Last evaluated: 2025-08-04. Review status: reviewed by expert panel. Criteria: ClinGen LSD ACMG Specifications IDUA V1.0.0. Collection method: curation. Allele origin: germline. Inheritance: Autosomal recessive inheritance.
Comment: The NM_000203.5:c.395T>C variant in IDUA is a missense variant predicted to cause substitution of leucine by proline at amino acid 132 (p.Leu132Pro). The variant has been reported (PMID:35614200) in a list of variants identified in individuals with features of MPS I. However, no genotype or clinical data were provided (PP4_not met, PM3_not met). The highest population minor allele frequency in gnomAD v4.1.0 is 0.000011 (1/91082 alleles) in the South Asian population, which is lower than the ClinGen Lysosomal Diseases VCEP’s threshold for PM2_Supporting (<0.00025), meeting this criterion (PM2_Supporting). The computational predictor REVEL gives a score of 0.927 which is above the threshold of 0.773, evidence that correlates with impact to IDUA function at the moderate level based on the specifications of the ClinGen Lysosomal Diseases VCEP (PMID: 36413997) (PP3_Moderate). SpliceAI predicts that the variant has no impact on splicing (all scores <0.1). In summary, this variant meets the criteria to be classified as a variant of uncertain significance (VUS) for MPS I. IDUA-specific ACMG/AMP criteria applied, as specified by the ClinGen Lysosomal Diseases Variant Curation Expert Panel (Specifications Version 1.0.0): PM2_supporting, PP3_moderate (Classification approved by the ClinGen Lysosomal Diseases Variant Curation Expert Panel, August 4, 2025)

NM_000203.5(IDUA):c.395T>C (p.Leu132Pro)

Gene: IDUA (alpha-L-iduronidase; plus strand). Cytogenetic location: 4p16.3.
Variant type: single nucleotide variant.
Coding change: c.395T>C on transcript NM_000203.5 (MANE Select); coding-DNA position 395, T replaced by C.
Protein change: p.Leu132Pro; replaces leucine 132 with proline.
Molecular consequence: missense variant. On other transcripts: 5 prime UTR variant (1), non-coding transcript variant (1).
Genome position (GRCh38, 1-based): chr4:1,000,891, T>C. VCF-style: chr4-1000891-T-C. GRCh37 (hg19) VCF-style: chr4-994679-T-C.
Other names: NM_001363576.1:c.-2T>C; c.-2T>C (NM_001363576.1); short protein forms L132P.
Identifiers: ClinVar variation 4086093 (VCV004086093.1).